The following is an entry in ClinVar:

NM_000440.3(PDE6A):c.2036del (p.Thr679fs)

Gene: PDE6A (phosphodiesterase 6A; minus strand). Cytogenetic location: 5q32.
Variant type: Deletion.
Coding change: c.2036del on transcript NM_000440.3 (MANE Select); coding-DNA position 2036, one base deleted (C; older notation c.2036delC).
Protein change: p.Thr679fs; shifts the reading frame from threonine 679.
Molecular consequence: frameshift variant.
Genome position (GRCh38, 1-based): chr5:149,883,528, G deleted on the plus strand (C on the coding strand, the reverse complement: PDE6A is on the minus strand). VCF-style (leftmost placement, unchanged base first): chr5-149883527-CG-C. GRCh37 (hg19) VCF-style: chr5-149263090-CG-C.
Other names: short protein forms T679fs.
Identifiers: ClinVar variation 1075332 (VCV001075332.8), dbSNP rs2113549546, ClinGen allele CA2499217733.

ClinVar aggregate classification (germline): Pathogenic/Likely pathogenic. Review status: criteria provided, multiple submitters, no conflicts (2 of 4 stars). 2 submissions from 2 submitters: Pathogenic (1); Likely pathogenic (1). Last evaluated 2025-12-25.

Conditions:
PDE6A-related disorder. Also called: PDE6A-related condition.

Submissions (2):

Labcorp Genetics (formerly Invitae), Labcorp
Classification: Pathogenic. Last evaluated: 2025-12-25. Review status: criteria provided, single submitter. Criteria: Invitae Variant Classification Sherloc (09022015). Collection method: clinical testing. Allele origin: germline.
Comment: This sequence change creates a premature translational stop signal (p.Thr679Argfs*23) in the PDE6A gene. It is expected to result in an absent or disrupted protein product. Loss-of-function variants in PDE6A are known to be pathogenic (PMID: 7493036, 22128245, 23847139). This variant is not present in population databases (gnomAD no frequency). This variant has not been reported in the literature in individuals affected with PDE6A-related conditions. ClinVar contains an entry for this variant (Variation ID: 1075332). For these reasons, this variant has been classified as Pathogenic.

Blueprint Genetics
Classification: Likely pathogenic for PDE6A-related disorders. Last evaluated: 2022-04-28. Review status: criteria provided, single submitter. Criteria: ACMG Guidelines, 2015. Collection method: clinical testing. Allele origin: germline. Affected: yes. Observed: 1 variant allele.

Literature cited by the submitters: PubMed 7493036 (cited by Labcorp Genetics (formerly Invitae), Labcorp); PubMed 22128245 (cited by Labcorp Genetics (formerly Invitae), Labcorp); PubMed 23847139 (cited by Labcorp Genetics (formerly Invitae), Labcorp).